The following is an entry in ClinVar:

ClinVar aggregate classification (germline): Uncertain significance (1 of 4 stars; one submission).

Conditions:
Cardiovascular phenotype. Identifiers: MedGen CN230736.

Submission:

Ambry Genetics
Classification: Uncertain significance for Cardiovascular phenotype. Last evaluated: 2025-12-15. Review status: criteria provided, single submitter. Criteria: Ambry Variant Classification Scheme 2023. Collection method: clinical testing. Allele origin: germline.
Comment: The c.2766delC variant, located in coding exon 18 of the TRPM4 gene, results from a deletion of one nucleotide at nucleotide position 2766, causing a translational frameshift with a predicted alternate stop codon (p.I922Mfs*2). This alteration is expected to result in protein truncation or nonsense-mediated mRNA decay. However, loss of function has not been established as a mechanism of disease. Based on the available evidence, the clinical significance of this alteration remains unclear.

NM_017636.4(TRPM4):c.2766del (p.Ile922fs)

Gene: TRPM4 (transient receptor potential cation channel subfamily M member 4; plus strand). Cytogenetic location: 19q13.33.
Variant type: Deletion.
Coding change: c.2766del on transcript NM_017636.4 (MANE Select); coding-DNA position 2766, one base deleted (C; older notation c.2766delC).
Protein change: p.Ile922fs; shifts the reading frame from isoleucine 922.
Molecular consequence: frameshift variant.
Genome position (GRCh38, 1-based): chr19:49,200,420, C deleted. VCF-style (leftmost placement, unchanged base first): chr19-49200419-TC-T. GRCh37 (hg19) VCF-style: chr19-49703676-TC-T.
Other names: c.2331del, p.Ile777fs (NM_001195227.2); c.2421del, p.Ile807fs (NM_001321281.2); c.1158del, p.Ile386fs (NM_001321282.2); c.2244del, p.Ile748fs (NM_001321283.2); c.1704del, p.Ile568fs (NM_001321285.2); short protein forms I807fs, I386fs, I777fs, I568fs, I922fs, I748fs.
Identifiers: ClinVar variation 4841816 (VCV004841816.1).